The following is an entry in ClinVar:

ClinVar aggregate classification (germline): Likely benign (1 of 4 stars; one submission).

gnomAD v4.1: 7 of 1,607,376 alleles (0.00044%); highest among the groups gnomAD compares: East Asian, 0.0022%; no homozygotes.

Submission:

CeGaT Center for Human Genetics Tuebingen
Classification: Likely benign. Last evaluated: 2026-02-01. Review status: criteria provided, single submitter. Criteria: CeGaT Center For Human Genetics Tuebingen Variant Classification Criteria Version 2. Collection method: clinical testing. Allele origin: germline. Affected: yes. Observed: 1 variant allele.
Comment: FRMD4A: BP4, BP7

NM_018027.5(FRMD4A):c.1098C>T (p.Ser366=)

Gene: FRMD4A (FERM domain containing 4A; minus strand). Cytogenetic location: 10p13.
Variant type: single nucleotide variant.
Coding change: c.1098C>T on transcript NM_018027.5 (MANE Select); coding-DNA position 1098, C replaced by T.
Protein change: p.Ser366=; no amino-acid change (serine 366 retained).
Molecular consequence: synonymous variant.
Genome position (GRCh38, 1-based): chr10:13,693,917, G>A on the plus strand (C>T on the coding strand, the complement: FRMD4A is on the minus strand). VCF-style: chr10-13693917-G-A. GRCh37 (hg19) VCF-style: chr10-13735917-G-A.
Other names: c.1146C>T, p.Ser382= (NM_001318336.2); c.1197C>T, p.Ser399= (NM_001318337.2); c.171C>T, p.Ser57= (NM_001318338.2).
Identifiers: ClinVar variation 4823002 (VCV004823002.4).